The following is an entry in ClinVar:

NM_001142800.2(EYS):c.8072-15303C>A

Gene: EYS (EGF-like photoreceptor maintenance factor; minus strand). Cytogenetic location: 6q12.
Variant type: single nucleotide variant.
Coding change: c.8072-15303C>A on transcript NM_001142800.2 (MANE Select); 15303 bases into the intron before coding-DNA position 8072, C replaced by A.
Molecular consequence: intron variant.
Genome position (GRCh38, 1-based): chr6:63,741,983, G>T on the plus strand (C>A on the coding strand, the complement: EYS is on the minus strand). VCF-style: chr6-63741983-G-T. GRCh37 (hg19) VCF-style: chr6-64451876-G-T.
Other names: c.8072-8C>A (NM_001292009.2).
Identifiers: ClinVar variation 4987044 (VCV004987044.1).

ClinVar aggregate classification (germline): Likely benign (1 of 4 stars; one submission).

Conditions:
EYS-related disorder. Also called: EYS-related condition.

gnomAD v4.1: 7 of 702,098 alleles (0.001%); highest among the groups gnomAD compares: Non-Finnish European, 0.0018%; no homozygotes.

Submission:

PreventionGenetics, part of Exact Sciences
Classification: Likely benign for EYS-related condition. Last evaluated: 2024-12-06. Review status: criteria provided, single submitter. Criteria: ACMG Guidelines, 2015. Collection method: clinical testing. Allele origin: germline.
Comment: This variant is classified as likely benign based on ACMG/AMP sequence variant interpretation guidelines (Richards et al. 2015 PMID: 25741868, with internal and published modifications).